The following is an entry in ClinVar:

NM_004006.3(DMD):c.8197G>T (p.Glu2733Ter)

Gene: DMD (dystrophin; minus strand). Cytogenetic location: Xp21.1.
Variant type: single nucleotide variant.
Coding change: c.8197G>T on transcript NM_004006.3 (MANE Select); coding-DNA position 8197, G replaced by T.
Protein change: p.Glu2733Ter; replaces glutamic acid 2733 with a stop codon.
Molecular consequence: nonsense.
Genome position (GRCh38, 1-based): chrX:31,627,693, C>A on the plus strand (G>T on the coding strand, the complement: DMD is on the minus strand). VCF-style: chrX-31627693-C-A. GRCh37 (hg19) VCF-style: chrX-31645810-C-A.
Other names: c.8173G>T, p.Glu2725Ter (NM_000109.4); c.8185G>T, p.Glu2729Ter (NM_004009.3); c.7828G>T, p.Glu2610Ter (NM_004010.3); c.4174G>T, p.Glu1392Ter (NM_004011.4); c.4165G>T, p.Glu1389Ter (NM_004012.4); c.817G>T, p.Glu273Ter (NM_004013.3, NM_004020.4, NM_004021.3 and 2 more transcripts); short protein forms E2733*, E2725*, E1392*, E2610*, E273*, E2729*, E1389*.
Identifiers: ClinVar variation 439618 (VCV000439618.15), dbSNP rs1556764743, ClinGen allele CA412657091.

ClinVar aggregate classification (germline): Pathogenic. Review status: criteria provided, multiple submitters, no conflicts (2 of 4 stars). 2 submissions from 2 submitters: Pathogenic (2). Last evaluated 2022-03-12.

Conditions:
Duchenne muscular dystrophy (DMD). Also called: MUSCULAR DYSTROPHY, PSEUDOHYPERTROPHIC PROGRESSIVE, DUCHENNE TYPE; Duchenne Muscular Dystrophy (DMD). Identifiers: Orphanet 98896, MedGen C0013264, MONDO:0010679, OMIM 310200.

Submissions (2):

Labcorp Genetics (formerly Invitae), Labcorp
Classification: Pathogenic for Duchenne muscular dystrophy. Last evaluated: 2022-03-12. Review status: criteria provided, single submitter. Criteria: Invitae Variant Classification Sherloc (09022015). Collection method: clinical testing. Allele origin: germline.
Comment: For these reasons, this variant has been classified as Pathogenic. ClinVar contains an entry for this variant (Variation ID: 439618). This premature translational stop signal has been observed in individual(s) with Duchenne muscular dystrophy (PMID: 31412794). This variant is not present in population databases (gnomAD no frequency). This sequence change creates a premature translational stop signal (p.Glu2733*) in the DMD gene. It is expected to result in an absent or disrupted protein product. Loss-of-function variants in DMD are known to be pathogenic (PMID: 16770791, 25007885).

ARUP Laboratories, Molecular Genetics and Genomics, ARUP Laboratories
Classification: Pathogenic. Last evaluated: 2017-06-07. Review status: criteria provided, single submitter. Criteria: ARUP Molecular Germline Variant Investigation Process. Collection method: clinical testing. Allele origin: germline.

Literature cited by the submitters: PubMed 31412794 (cited by Labcorp Genetics (formerly Invitae), Labcorp); PubMed 16770791 (cited by Labcorp Genetics (formerly Invitae), Labcorp); PubMed 25007885 (cited by Labcorp Genetics (formerly Invitae), Labcorp).